The following is an entry in ClinVar:

NM_022458.4(LMBR1):c.460C>A (p.Leu154Ile)

Gene: LMBR1 (limb development membrane protein 1; minus strand). Cytogenetic location: 7q36.3.
Variant type: single nucleotide variant.
Coding change: c.460C>A on transcript NM_022458.4 (MANE Select); coding-DNA position 460, C replaced by A.
Protein change: p.Leu154Ile; replaces leucine 154 with isoleucine.
Molecular consequence: missense variant. On other transcripts: non-coding transcript variant (2).
Genome position (GRCh38, 1-based): chr7:156,763,759, G>T on the plus strand (C>A on the coding strand, the complement: LMBR1 is on the minus strand). VCF-style: chr7-156763759-G-T. GRCh37 (hg19) VCF-style: chr7-156556453-G-T.
Other names: c.460C>A, p.Leu154Ile (NM_001350953.2, NM_001363409.2, NM_001363410.2); c.181C>A, p.Leu61Ile (NM_001350954.2); c.4C>A, p.Leu2Ile (NM_001350955.2, NM_001350956.2, NM_001350958.2 and 1 more transcripts); c.91C>A, p.Leu31Ile (NM_001350957.2, NM_001363411.2); c.397C>A, p.Leu133Ile (NM_001363412.2); short protein forms L154I, L31I, L2I, L133I, L61I.
Identifiers: ClinVar variation 100875 (VCV000100875.2), dbSNP rs483352752, ClinGen allele CA229177.

ClinVar aggregate classification (germline): Uncertain significance. Review status: no assertion criteria provided (0 of 4 stars). 2 submissions from 1 submitter: Uncertain significance (1). 1 of the submissions does not count toward it.

Submissions (2):

Richard Lifton Laboratory, Yale University School of Medicine
Classification: Uncertain significance. Review status: no assertion criteria provided. Collection method: not provided. Allele origin: somatic.
Comment: LMBR1:p.L154I
ClinVar note: Converted during submission from unknown to Uncertain significance.

Richard Lifton Laboratory, Yale University School of Medicine
Classification: Uncertain significance. Review status: flagged submission. Collection method: not provided. Allele origin: somatic. Not counted in ClinVar's aggregate classification.
ClinVar note: Converted during submission from unknown to Uncertain significance.
ClinVar note: Reason: This record appears to be redundant with a more recent record from the same submitter.
ClinVar note: Notes: SCV000120100 appears to be redundant with SCV000155204.